The following is an entry in ClinVar:

ClinVar aggregate classification (germline): Benign/Likely benign. Review status: criteria provided, multiple submitters, no conflicts (2 of 4 stars). 2 submissions from 2 submitters: Benign (1); Likely benign (1). Last evaluated 2024-04-03.

Conditions:
Familial adenomatous polyposis 1 (FAP1). Also called: POLYPOSIS, ADENOMATOUS INTESTINAL; FAMILIAL ADENOMATOUS POLYPOSIS 1, ATTENUATED. Identifiers: MedGen C2713442, MONDO:0021056, OMIM 175100. Disease mechanism: loss of function.

gnomAD v4.1: 1 of 1,613,914 alleles (0.000062%); highest among the groups gnomAD compares: Non-Finnish European, 0.000085%; no homozygotes.

Submissions (2):

Myriad Genetics, Inc.
Classification: Benign for Familial adenomatous polyposis 1. Last evaluated: 2024-04-03. Review status: criteria provided, single submitter. Criteria: Myriad Autosomal Dominant, Autosomal Recessive and X-Linked Classification Criteria (2023). Collection method: clinical testing. Allele origin: unknown.
Comment: This variant is considered benign. This variant is a silent/synonymous amino acid change and it is not expected to impact splicing.

Labcorp Genetics (formerly Invitae), Labcorp
Classification: Likely benign for Familial adenomatous polyposis 1. Last evaluated: 2022-01-27. Review status: criteria provided, single submitter. Criteria: Invitae Variant Classification Sherloc (09022015). Collection method: clinical testing. Allele origin: germline.

NM_000038.6(APC):c.5985A>G (p.Ser1995=)

Gene: APC (APC regulator of Wnt signaling pathway; plus strand). Cytogenetic location: 5q22.2.
Variant type: single nucleotide variant.
Coding change: c.5985A>G on transcript NM_000038.6 (MANE Select); coding-DNA position 5985, A replaced by G.
Protein change: p.Ser1995=; no amino-acid change (serine 1995 retained).
Molecular consequence: synonymous variant.
Genome position (GRCh38, 1-based): chr5:112,841,579, A>G. VCF-style: chr5-112841579-A-G. GRCh37 (hg19) VCF-style: chr5-112177276-A-G.
Other names: c.5985A>G, p.Ser1995= (NM_001127510.3, NM_001354895.2); c.5931A>G, p.Ser1977= (NM_001127511.3); c.6039A>G, p.Ser2013= (NM_001354896.2); c.6015A>G, p.Ser2005= (NM_001354897.2); c.5910A>G, p.Ser1970= (NM_001354898.2); c.5901A>G, p.Ser1967= (NM_001354899.2); c.5862A>G, p.Ser1954= (NM_001354900.2); c.5808A>G, p.Ser1936= (NM_001354901.2); and 5 more.
Identifiers: ClinVar variation 1558924 (VCV001558924.9), dbSNP rs2149954214, ClinGen allele CA446210108.
Genomic context (GRCh38, chr5:112,841,579, plus strand): 5'-TGACCAAGAAAACAACAATAAAGAAAATGAACCTATCAAAGAGACTGAGCCCCCTGACTC[A>G]CAGGGAGAACCAAGTAAACCTCAAGCATCAGGCTATGCTCCTAAATCATTTCATGTTGAA-3'
Protein context (NP_000029.2, residues 1985-2005): EPIKETEPPD[Ser1995=]QGEPSKPQAS